The following is an entry in ClinVar:

NM_001084.5(PLOD3):c.1982_1996dup (p.Arg665_Pro666insGlnProSerLeuArg)

Gene: PLOD3 (procollagen-lysine,2-oxoglutarate 5-dioxygenase 3; minus strand). Cytogenetic location: 7q22.1.
Variant type: Duplication.
Coding change: c.1982_1996dup on transcript NM_001084.5 (MANE Select); coding-DNA positions 1982 to 1996, 15 bases duplicated (AGCCGTCTCTGCGGC).
Protein change: p.Arg665_Pro666insGlnProSerLeuArg.
Molecular consequence: inframe insertion.
Genome position (GRCh38, 1-based): chr7:101,206,844-101,206,858, GCCGCAGAGACGGCT duplicated on the plus strand (AGCCGTCTCTGCGGC on the coding strand, the reverse complement: PLOD3 is on the minus strand); duplicating any 15 consecutive bases within chr7:101,206,844-101,206,860 gives the same sequence; the c. name uses the placement nearest the transcript's 3' end. VCF-style (leftmost placement, unchanged base first): chr7-101206843-G-GGCCGCAGAGACGGCT. GRCh37 (hg19) VCF-style: chr7-100850124-G-GGCCGCAGAGACGGCT.
Identifiers: ClinVar variation 2066304 (VCV002066304.1), dbSNP rs1191811463, ClinGen allele CA576469921.
Genomic context (GRCh38, chr7:101,206,843, plus strand): 5'-TAGTCCAGGCCCTTGTGGTTGAGGGCAACGTTGAGGGTGAAGGTGGATGAGTCGTGGTGT[G>GGCCGCAGAGACGGCT]GCCGCAGAGACGGCTGCTCGTCTGGCCGGTAGCGAACCACAAAGTTCATCACCGCCCGCG-3'

ClinVar aggregate classification (germline): Uncertain significance (1 of 4 stars; one submission).

Submission:

Labcorp Genetics (formerly Invitae), Labcorp
Classification: Uncertain significance. Last evaluated: 2022-07-15. Review status: criteria provided, single submitter. Criteria: Invitae Variant Classification Sherloc (09022015). Collection method: clinical testing. Allele origin: germline.
Comment: This variant, c.1982_1996dup, results in the insertion of 5 amino acid(s) of the PLOD3 protein (p.Gln661_Arg665dup), but otherwise preserves the integrity of the reading frame. This variant is present in population databases (no rsID available, gnomAD 0.007%). This variant has not been reported in the literature in individuals affected with PLOD3-related conditions. In summary, the available evidence is currently insufficient to determine the role of this variant in disease. Therefore, it has been classified as a Variant of Uncertain Significance.